The following is an entry in ClinVar:

ClinVar aggregate classification (germline): Pathogenic (1 of 4 stars; one submission).

Conditions:
Charcot-Marie-Tooth Neuropathy X. Identifiers: MedGen CN118851.

Submission:

Labcorp Genetics (formerly Invitae), Labcorp
Classification: Pathogenic for Charcot-Marie-Tooth Neuropathy X. Last evaluated: 2023-09-14. Review status: criteria provided, single submitter. Criteria: Invitae Variant Classification Sherloc (09022015). Collection method: clinical testing. Allele origin: germline.
Comment: For these reasons, this variant has been classified as Pathogenic. This variant disrupts a region of the GJB1 protein in which other variant(s) (p.Arg220*) have been determined to be pathogenic (PMID: 7477983, 8162049, 9364054, 21291455). This suggests that this is a clinically significant region of the protein, and that variants that disrupt it are likely to be disease-causing. This variant has not been reported in the literature in individuals affected with GJB1-related conditions. This variant is not present in population databases (gnomAD no frequency). This sequence change creates a premature translational stop signal (p.Phe153Serfs*44) in the GJB1 gene. While this is not anticipated to result in nonsense mediated decay, it is expected to disrupt the last 131 amino acid(s) of the GJB1 protein.

Literature cited by the submitters: PubMed 7477983; PubMed 8162049; PubMed 9364054; PubMed 21291455.

NM_000166.6(GJB1):c.456_457dup (p.Phe153fs)

Gene: GJB1 (gap junction protein beta 1; plus strand). Cytogenetic location: Xq13.1.
Variant type: Duplication.
Coding change: c.456_457dup on transcript NM_000166.6 (MANE Select); coding-DNA positions 456 to 457, 2 bases duplicated (CT; older notation c.456_457dupCT).
Protein change: p.Phe153fs; shifts the reading frame from phenylalanine 153.
Molecular consequence: frameshift variant.
Genome position (GRCh38, 1-based): chrX:71,224,163-71,224,164, CT duplicated; duplicating any 2 consecutive bases within chrX:71,224,162-71,224,164 gives the same sequence; the c. name uses the placement nearest the transcript's 3' end. VCF-style (leftmost placement, unchanged base first): chrX-71224161-G-GTC. GRCh37 (hg19) VCF-style: chrX-70444011-G-GTC.
Other names: c.456_457dup, p.Phe153fs (NM_001097642.3); short protein forms F153fs.
Identifiers: ClinVar variation 2754913 (VCV002754913.3), dbSNP rs2519798559, ClinGen allele CA2697553169.
Genomic context (GRCh38, chrX:71,224,161, plus strand): 5'-TGGTGGACCTATGTCATCAGCGTGGTGTTCCGGCTGTTGTTTGAGGCCGTCTTCATGTAT[G>GTC]TCTTTTATCTGCTCTACCCTGGCTATGCCATGGTGCGGCTGGTCAAGTGCGACGTCTACC-3'